The following is an entry in ClinVar:

NM_002047.4(GARS1):c.659-14C>G

Gene: GARS1 (glycyl-tRNA synthetase 1; plus strand). Cytogenetic location: 7p14.3.
Variant type: single nucleotide variant.
Coding change: c.659-14C>G on transcript NM_002047.4 (MANE Select); 14 bases into the intron before coding-DNA position 659, C replaced by G.
Molecular consequence: intron variant.
Genome position (GRCh38, 1-based): chr7:30,603,482, C>G. VCF-style: chr7-30603482-C-G. GRCh37 (hg19) VCF-style: chr7-30643098-C-G.
Other names: c.497-14C>G (NM_001316772.1).
Identifiers: ClinVar variation 2780111 (VCV002780111.3), dbSNP rs2534294243, ClinGen allele CA2578858523.

ClinVar aggregate classification (germline): Uncertain significance (1 of 4 stars; one submission).

Conditions:
Charcot-Marie-Tooth disease type 2. Also called: Charcot-Marie-Tooth type 2. Identifiers: Orphanet 64746, MedGen C0270914, MONDO:0018993.

gnomAD v4.1: 1 of 1,604,310 alleles (0.000062%); highest among the groups gnomAD compares: Non-Finnish European, 0.000085%; no homozygotes.

Submission:

Labcorp Genetics (formerly Invitae), Labcorp
Classification: Uncertain significance for Charcot-Marie-Tooth disease type 2. Last evaluated: 2023-01-10. Review status: criteria provided, single submitter. Criteria: Invitae Variant Classification Sherloc (09022015). Collection method: clinical testing. Allele origin: germline.
Comment: This sequence change falls in intron 5 of the GARS gene. It does not directly change the encoded amino acid sequence of the GARS protein. This variant is not present in population databases (gnomAD no frequency). In summary, the available evidence is currently insufficient to determine the role of this variant in disease. Therefore, it has been classified as a Variant of Uncertain Significance. Algorithms developed to predict the effect of sequence changes on RNA splicing suggest that this variant may create or strengthen a splice site. This variant has been observed in individual(s) with clinical features of Charcot-Marie-Tooth disease (PMID: 32376792).

Literature cited by the submitters: PubMed 32376792.